The following is an entry in ClinVar:

NM_004006.3(DMD):c.756A>C (p.Glu252Asp)

Gene: DMD (dystrophin; minus strand). Cytogenetic location: Xp21.1.
Variant type: single nucleotide variant.
Coding change: c.756A>C on transcript NM_004006.3 (MANE Select); coding-DNA position 756, A replaced by C.
Protein change: p.Glu252Asp; replaces glutamic acid 252 with aspartic acid.
Molecular consequence: missense variant.
Genome position (GRCh38, 1-based): chrX:32,699,187, T>G on the plus strand (A>C on the coding strand, the complement: DMD is on the minus strand). VCF-style: chrX-32699187-T-G. GRCh37 (hg19) VCF-style: chrX-32717304-T-G.
Other names: c.732A>C, p.Glu244Asp (NM_000109.4); c.744A>C, p.Glu248Asp (NM_004009.3); c.387A>C, p.Glu129Asp (NM_004010.3); short protein forms E252D, E248D, E244D, E129D.
Identifiers: ClinVar variation 2912323 (VCV002912323.2), dbSNP rs2063894950, ClinGen allele CA412668952.

ClinVar aggregate classification (germline): Uncertain significance (1 of 4 stars; one submission).

Conditions:
Duchenne muscular dystrophy (DMD). Also called: MUSCULAR DYSTROPHY, PSEUDOHYPERTROPHIC PROGRESSIVE, DUCHENNE TYPE; Duchenne Muscular Dystrophy (DMD). Identifiers: Orphanet 98896, MedGen C0013264, MONDO:0010679, OMIM 310200.

Submission:

Labcorp Genetics (formerly Invitae), Labcorp
Classification: Uncertain significance for Duchenne muscular dystrophy. Last evaluated: 2024-10-12. Review status: criteria provided, single submitter. Criteria: Invitae Variant Classification Sherloc (09022015). Collection method: clinical testing. Allele origin: germline.
Comment: This sequence change replaces glutamic acid, which is acidic and polar, with aspartic acid, which is acidic and polar, at codon 252 of the DMD protein (p.Glu252Asp). This variant is not present in population databases (gnomAD no frequency). This variant has not been reported in the literature in individuals affected with DMD-related conditions. Invitae Evidence Modeling of protein sequence and biophysical properties (such as structural, functional, and spatial information, amino acid conservation, physicochemical variation, residue mobility, and thermodynamic stability) indicates that this missense variant is not expected to disrupt DMD protein function with a negative predictive value of 95%. In summary, the available evidence is currently insufficient to determine the role of this variant in disease. Therefore, it has been classified as a Variant of Uncertain Significance.